The following is an entry in ClinVar:

NM_000264.5(PTCH1):c.2372T>C (p.Ile791Thr)

Genes: PTCH1 (patched 1; minus strand), LOC100507346 (uncharacterized LOC100507346; plus strand). Cytogenetic location: 9q22.32.
Variant type: single nucleotide variant.
Coding change: c.2372T>C on transcript NM_000264.5 (MANE Select); coding-DNA position 2372, T replaced by C.
Protein change: p.Ile791Thr; replaces isoleucine 791 with threonine.
Molecular consequence: missense variant.
Genome position (GRCh38, 1-based): chr9:95,467,304, A>G on the plus strand (T>C on the coding strand, the complement: PTCH1 is on the minus strand). VCF-style: chr9-95467304-A-G. GRCh37 (hg19) VCF-style: chr9-98229586-A-G.
Other names: c.2372T>C (NM_000264.3); c.2174T>C, p.Ile725Thr (NM_001083602.3); c.2369T>C, p.Ile790Thr (NM_001083603.3); c.1919T>C, p.Ile640Thr (NM_001083604.3, NM_001083605.3, NM_001083606.3 and 1 more transcripts); c.2216T>C, p.Ile739Thr (NM_001354918.2); short protein forms I791T, I640T, I790T, I725T, I739T.
Identifiers: ClinVar variation 1433582 (VCV001433582.31), dbSNP rs1564030910, ClinGen allele CA374114445.

ClinVar aggregate classification (germline): Conflicting classifications of pathogenicity. Review status: criteria provided, conflicting classifications (1 of 4 stars). 4 submissions from 4 submitters: Uncertain significance (3); Likely benign (1). Last evaluated 2026-09-11.

Conditions:
Gorlin syndrome. Also called: Basal cell nevus syndrome; Nevoid Basal Cell Carcinoma Syndrome. Identifiers: Orphanet 377, MedGen C0004779, MONDO:0007187.
Hereditary cancer-predisposing syndrome. Also called: Hereditary neoplastic syndrome; Tumor predisposition; Hereditary Cancer Syndrome; Neoplastic Syndromes, Hereditary. Identifiers: Orphanet 140162, MedGen C0027672, MeSH D009386, MONDO:0015356.
Basal cell carcinoma, susceptibility to, 1. Also called: BCC1. Identifiers: MedGen C2751544, MONDO:0011556, OMIM 605462.

Allele frequency attached by ClinVar (database versions not stated): gnomAD exomes below 0.00001.
gnomAD v4.1: 1 of 1,614,208 alleles (0.000062%); highest among the groups gnomAD compares: Non-Finnish European, 0.000085%; no homozygotes.

Submissions (4):

Ambry Genetics
Classification: Uncertain significance for Hereditary cancer-predisposing syndrome. Last evaluated: 2026-09-11. Review status: criteria provided, single submitter. Criteria: Ambry Variant Classification Scheme 2023. Collection method: clinical testing. Allele origin: germline.
Comment: The p.I791T variant (also known as c.2372T>C), located in coding exon 15 of the PTCH1 gene, results from a T to C substitution at nucleotide position 2372. The isoleucine at codon 791 is replaced by threonine, an amino acid with similar properties. This amino acid position is conserved. In addition, this alteration is predicted to be deleterious by in silico analysis. Based on the available evidence, the clinical significance of this variant remains unclear.

Labcorp Genetics (formerly Invitae), Labcorp
Classification: Likely benign for Gorlin syndrome. Last evaluated: 2025-08-11. Review status: criteria provided, single submitter. Criteria: Invitae Variant Classification Sherloc (09022015). Collection method: clinical testing. Allele origin: germline.

Baylor Genetics
Classification: Uncertain significance for Basal cell carcinoma, susceptibility to, 1. Last evaluated: 2024-02-23. Review status: criteria provided, single submitter. Criteria: ACMG Guidelines, 2015. Collection method: clinical testing. Allele origin: unknown.

CeGaT Center for Human Genetics Tuebingen
Classification: Uncertain significance. Last evaluated: 2024-01-01. Review status: criteria provided, single submitter. Criteria: CeGaT Center For Human Genetics Tuebingen Variant Classification Criteria Version 2. Collection method: clinical testing. Allele origin: germline. Affected: yes. Observed: 1 variant allele.
Comment: PTCH1: PM2, PP3, BP1